The following is an entry in ClinVar:

ClinVar aggregate classification (germline): Likely pathogenic (1 of 4 stars; one submission).

Conditions:
Hereditary cancer-predisposing syndrome. Also called: Hereditary Cancer Syndrome; Hereditary neoplastic syndrome; Neoplastic Syndromes, Hereditary; Tumor predisposition. Identifiers: Orphanet 140162, MedGen C0027672, MeSH D009386, MONDO:0015356.

Submission:

Ambry Genetics
Classification: Likely pathogenic for Hereditary cancer-predisposing syndrome. Last evaluated: 2025-11-03. Review status: criteria provided, single submitter. Criteria: Ambry Variant Classification Scheme 2023. Collection method: clinical testing. Allele origin: germline.
Comment: The c.9327_9328insAlu likely pathogenic variant results from the insertion of an Alu element between nucleotides 9327 and 9328 in coding exon 24 of the BRCA2 gene. Mobile element insertions contribute to pathogenicity by either disrupting the coding sequence or inducing aberrant splicing (Belancio VP et al. Semin. Cancer Biol. 2010 Aug;20:200-10; Deininger P et al. Genome Biol. 2011 Dec;12:236; van der Klift HM. Hum Mutat. 2012 Jul;33(7):1051-5). This Alu element insertion has been reported in the literature in individuals referred for hereditary cancer testing (Qian Y et al. Cancer Genet. 2017 Oct;216-217:159-169). Based on the majority of available evidence to date, this variant is likely to be pathogenic.

Literature cited by the submitters: PubMed 31406321.

NM_000059.3:c.9327_9328insALU

Gene: BRCA2 (BRCA2 DNA repair associated; plus strand).
Variant type: Insertion.
Identifiers: ClinVar variation 1766577 (VCV001766577.4).